The following is an entry in ClinVar:

NM_000064.4(C3):c.4364A>G (p.Glu1455Gly)

Gene: C3 (complement C3; minus strand). Cytogenetic location: 19p13.3.
Variant type: single nucleotide variant.
Coding change: c.4364A>G on transcript NM_000064.4 (MANE Select); coding-DNA position 4364, A replaced by G.
Protein change: p.Glu1455Gly; replaces glutamic acid 1455 with glycine.
Molecular consequence: missense variant.
Genome position (GRCh38, 1-based): chr19:6,680,250, T>C on the plus strand (A>G on the coding strand, the complement: C3 is on the minus strand). VCF-style: chr19-6680250-T-C. GRCh37 (hg19) VCF-style: chr19-6680261-T-C.
Other names: short protein forms E1455G.
Identifiers: ClinVar variation 1012917 (VCV001012917.43), dbSNP rs761663480, ClinGen allele CA9128409.
Genomic context (GRCh38, chr19:6,680,250, plus strand): 5'-CCAGGCTGGATAAGCTCTACATTAAAGTATTGGTGAACTTTGAAAGCTAGACAGTCATCC[T>C]CAGAGTGTGAGACCTGAGGGGGAAGGAGGAGCTTGGTCAGTGGGGTGATGTGGGAGGGAG-3'
Protein context (NP_000055.2, residues 1445-1465): IIYLDKVSHS[Glu1455Gly]DDCLAFKVHQ

ClinVar aggregate classification (germline): Uncertain significance. Review status: criteria provided, multiple submitters, no conflicts (2 of 4 stars). 3 submissions from 3 submitters: Uncertain significance (3). Last evaluated 2025-07-27.

Allele frequency attached by ClinVar (database versions not stated): gnomAD 0.00001; gnomAD exomes 0.00002 and 0.00003; ExAC 0.00003; TOPMed 0.00003.
gnomAD v4.1: 46 of 1,605,614 alleles (0.0029%); highest among the groups gnomAD compares: Middle Eastern, 0.016%; no homozygotes.

Submissions (3):

Labcorp Genetics (formerly Invitae), Labcorp
Classification: Uncertain significance. Last evaluated: 2025-07-27. Review status: criteria provided, single submitter. Criteria: Invitae Variant Classification Sherloc (09022015). Collection method: clinical testing. Allele origin: germline.
Comment: This sequence change replaces glutamic acid, which is acidic and polar, with glycine, which is neutral and non-polar, at codon 1455 of the C3 protein (p.Glu1455Gly). This variant is present in population databases (rs761663480, gnomAD 0.004%). This variant has not been reported in the literature in individuals affected with C3-related conditions. ClinVar contains an entry for this variant (Variation ID: 1012917). Invitae Evidence Modeling of protein sequence and biophysical properties (such as structural, functional, and spatial information, amino acid conservation, physicochemical variation, residue mobility, and thermodynamic stability) indicates that this missense variant is not expected to disrupt C3 protein function with a negative predictive value of 80%. In summary, the available evidence is currently insufficient to determine the role of this variant in disease. Therefore, it has been classified as a Variant of Uncertain Significance.

Blueprint Genetics
Classification: Uncertain significance. Last evaluated: 2023-01-19. Review status: criteria provided, single submitter. Criteria: ACMG Guidelines, 2015. Collection method: clinical testing. Allele origin: germline.

CeGaT Center for Human Genetics Tuebingen
Classification: Uncertain significance. Last evaluated: 2020-08-01. Review status: criteria provided, single submitter. Criteria: CeGaT Center For Human Genetics Tuebingen Variant Classification Criteria Version 2. Collection method: clinical testing. Allele origin: germline. Affected: yes. Observed: 2 variant alleles.